The following is an entry in ClinVar:

ClinVar aggregate classification (germline): Uncertain significance (1 of 4 stars; one submission).

Conditions:
Hereditary cancer-predisposing syndrome. Also called: Tumor predisposition; Neoplastic Syndromes, Hereditary; Hereditary neoplastic syndrome; Hereditary Cancer Syndrome. Identifiers: Orphanet 140162, MedGen C0027672, MeSH D009386, MONDO:0015356.

Submission:

Ambry Genetics
Classification: Uncertain significance for Hereditary cancer-predisposing syndrome. Last evaluated: 2024-08-12. Review status: criteria provided, single submitter. Criteria: Ambry Variant Classification Scheme 2023. Collection method: clinical testing. Allele origin: germline.
Comment: The p.T693R variant (also known as c.2078C>G), located in coding exon 7 of the AXIN2 gene, results from a C to G substitution at nucleotide position 2078. The threonine at codon 693 is replaced by arginine, an amino acid with similar properties. This amino acid position is conserved. In addition, this alteration is predicted to be deleterious by in silico analysis. Based on the available evidence, the clinical significance of this variant remains unclear.

NM_004655.4(AXIN2):c.2078C>G (p.Thr693Arg)

Gene: AXIN2 (axin 2; minus strand). Cytogenetic location: 17q24.1.
Variant type: single nucleotide variant.
Coding change: c.2078C>G on transcript NM_004655.4 (MANE Select); coding-DNA position 2078, C replaced by G.
Protein change: p.Thr693Arg; replaces threonine 693 with arginine.
Molecular consequence: missense variant.
Genome position (GRCh38, 1-based): chr17:65,536,383, G>C on the plus strand (C>G on the coding strand, the complement: AXIN2 is on the minus strand). VCF-style: chr17-65536383-G-C. GRCh37 (hg19) VCF-style: chr17-63532501-G-C.
Other names: c.1883C>G, p.Thr628Arg (NM_001363813.1); short protein forms T628R, T693R.
Identifiers: ClinVar variation 3470220 (VCV003470220.1).